The following is an entry in ClinVar:

NM_007118.4(TRIO):c.4199A>G (p.His1400Arg)

Gene: TRIO (trio Rho guanine nucleotide exchange factor; plus strand). Cytogenetic location: 5p15.2.
Variant type: single nucleotide variant.
Coding change: c.4199A>G on transcript NM_007118.4 (MANE Select); coding-DNA position 4199, A replaced by G.
Protein change: p.His1400Arg; replaces histidine 1400 with arginine.
Molecular consequence: missense variant. On other transcripts: non-coding transcript variant (1).
Genome position (GRCh38, 1-based): chr5:14,390,971, A>G. VCF-style: chr5-14390971-A-G. GRCh37 (hg19) VCF-style: chr5-14391080-A-G.
Other names: short protein forms H1400R.
Identifiers: ClinVar variation 5017066 (VCV005017066.1).

ClinVar aggregate classification (germline): Uncertain significance (1 of 4 stars; one submission).

gnomAD v4.1: 1 of 1,610,384 alleles (0.000062%); highest among the groups gnomAD compares: Non-Finnish European, 0.000085%; no homozygotes.

Submission:

GeneDx
Classification: Uncertain significance. Last evaluated: 2026-03-22. Review status: criteria provided, single submitter. Criteria: GeneDx Variant Classification Process June 2021. Collection method: clinical testing. Allele origin: germline.
Comment: In silico analysis supports that this missense variant has a deleterious effect on protein structure/function; Has not been previously published as pathogenic or benign to our knowledge